The following is an entry in ClinVar:

NM_032802.4(SPPL2A):c.772A>G (p.Met258Val)

Gene: SPPL2A (signal peptide peptidase like 2A; minus strand). Cytogenetic location: 15q21.2.
Variant type: single nucleotide variant.
Coding change: c.772A>G on transcript NM_032802.4 (MANE Select); coding-DNA position 772, A replaced by G.
Protein change: p.Met258Val; replaces methionine 258 with valine.
Molecular consequence: missense variant.
Genome position (GRCh38, 1-based): chr15:50,736,702, T>C on the plus strand (A>G on the coding strand, the complement: SPPL2A is on the minus strand). VCF-style: chr15-50736702-T-C. GRCh37 (hg19) VCF-style: chr15-51028899-T-C.
Other names: short protein forms M258V.
Identifiers: ClinVar variation 1525027 (VCV001525027.8), dbSNP rs367778266, ClinGen allele CA270513019.
Genomic context (GRCh38, chr15:50,736,702, plus strand): 5'-ACGTGCATTGTCCATATGGTATCTTATGAATTAGTGCAGCAAGACAGTTGTACAGACTCA[T>C]TGCTGATGCTATGCAGAAAATTGCTATCATAACATAAACTGAAAAAAACAAAACACTAAA-3'
Protein context (NP_116191.2, residues 248-268): MIAIFCIASA[Met258Val]SLYNCLAALI

ClinVar aggregate classification (germline): Uncertain significance (1 of 4 stars; one submission).

Allele frequency attached by ClinVar (database versions not stated): gnomAD 0.00001; gnomAD exomes 0.00001; TOPMed 0.00001; ESP Exome Variant Server 0.00008.
gnomAD v4.1: 15 of 1,609,932 alleles (0.00093%); highest among the groups gnomAD compares: Non-Finnish European, 0.0013%; no homozygotes.

Submission:

Labcorp Genetics (formerly Invitae), Labcorp
Classification: Uncertain significance. Last evaluated: 2024-12-04. Review status: criteria provided, single submitter. Criteria: Invitae Variant Classification Sherloc (09022015). Collection method: clinical testing. Allele origin: germline.
Comment: This sequence change replaces methionine, which is neutral and non-polar, with valine, which is neutral and non-polar, at codon 258 of the SPPL2A protein (p.Met258Val). This variant is present in population databases (rs367778266, gnomAD 0.003%). This variant has not been reported in the literature in individuals affected with SPPL2A-related conditions. ClinVar contains an entry for this variant (Variation ID: 1525027). An algorithm developed to predict the effect of missense changes on protein structure and function outputs the following: PolyPhen-2: "Benign". The valine amino acid residue is found in multiple mammalian species, which suggests that this missense change does not adversely affect protein function. In summary, the available evidence is currently insufficient to determine the role of this variant in disease. Therefore, it has been classified as a Variant of Uncertain Significance.